The following is an entry in ClinVar:

ClinVar aggregate classification (germline): Conflicting classifications of pathogenicity. Review status: criteria provided, conflicting classifications (1 of 4 stars). 10 submissions from 10 submitters: Uncertain significance (6); Likely benign (2). 2 of the submissions do not count toward it. Last evaluated 2025-12-18.

Conditions:
Breast and/or ovarian cancer. Identifiers: MedGen CN221562.
Breast-ovarian cancer, familial, susceptibility to, 1 (BROVCA1). Also called: BRCA1 Hereditary Breast and Ovarian Cancer; OVARIAN CANCER, SUSCEPTIBILITY TO. Identifiers: Orphanet 145, MedGen C2676676, MONDO:0011450, OMIM 604370. Disease mechanism: loss of function.
BRCA1-related cancer predisposition. Identifiers: MedGen CN377757, MONDO:0700268.
Hereditary cancer-predisposing syndrome. Also called: Hereditary Cancer Syndrome; Hereditary neoplastic syndrome; Neoplastic Syndromes, Hereditary; Tumor predisposition. Identifiers: Orphanet 140162, MedGen C0027672, MeSH D009386, MONDO:0015356.
Hereditary breast ovarian cancer syndrome. Also called: BRCA1- and BRCA2-Associated Hereditary Breast and Ovarian Cancer; Hereditary breast and ovarian cancer syndrome; Hereditary breast and ovarian cancer syndrome (HBOC); Breast and ovarian cancer; Hereditary breast and/or ovarian cancer syndrome; Hereditary breast and ovarian cancer. Identifiers: Orphanet 145, MedGen C0677776, MeSH D061325, MONDO:0003582. Disease mechanism: loss of function.

Submissions (10):

Ambry Genetics
Classification: Uncertain significance for Hereditary cancer-predisposing syndrome. Last evaluated: 2025-12-18. Review status: criteria provided, single submitter. Criteria: Ambry Variant Classification Scheme 2023. Collection method: clinical testing. Allele origin: germline.
Comment: The c.4063_4065delAAT variant (also known as p.N1355del) is located in coding exon 9 of the BRCA1 gene. This variant results from an in-frame AAT deletion at nucleotide positions 4063 to 4065. This results in the in-frame deletion of an asparagine at codon 1355. This alteration was identified in multiple individuals diagnosed with breast and/or ovarian cancer (Konstantopoulou I et al. Breast Cancer Res Treat. 2008 Feb;107(3):431-41; Lara K et al. Biol Res. 2012;45(2):117-30; Loizidou MA et al. Clin. Genet. 2017 Apr;91:611-615; Fanale D et al. Front Oncol, 2021 Jun;11:682445). This amino acid position is not well conserved in available vertebrate species. In addition, this alteration is predicted to be neutral by in silico analysis (Choi Y et al. PLoS ONE. 2012; 7(10):e46688). Since supporting evidence is limited at this time, the clinical significance of this alteration remains unclear.

Labcorp Genetics (formerly Invitae), Labcorp
Classification: Uncertain significance for Hereditary breast ovarian cancer syndrome. Last evaluated: 2025-07-31. Review status: criteria provided, single submitter. Criteria: Invitae Variant Classification Sherloc (09022015). Collection method: clinical testing. Allele origin: germline.
Comment: This variant, c.4063_4065del, results in the deletion of 1 amino acid(s) of the BRCA1 protein (p.Asn1355del), but otherwise preserves the integrity of the reading frame. This variant is present in population databases (rs80358341, gnomAD 0.0009%). This variant has been observed in individual(s) with breast and/or ovarian cancer (PMID: 17453335, 23096355, 27882536, 31954625, 32380732, 34178674, 34884835; internal data). This variant has been observed to co-occur in individuals with a different variant in BRCA1 that has been determined to be pathogenic (internal data), but the significance of this finding is unclear. ClinVar contains an entry for this variant (Variation ID: 55093). Experimental studies and prediction algorithms are not available or were not evaluated, and the functional significance of this variant is currently unknown. In summary, the available evidence is currently insufficient to determine the role of this variant in disease. Therefore, it has been classified as a Variant of Uncertain Significance.

Quest Diagnostics Nichols Institute San Juan Capistrano
Classification: Uncertain significance. Last evaluated: 2025-05-08. Review status: criteria provided, single submitter. Criteria: Quest Diagnostics criteria. Collection method: clinical testing. Allele origin: unknown.
Comment: The BRCA1 c.4063_4065del (p.Asn1355del) variant has been reported in the published literature in individuals with breast and/or ovarian cancer (PMID: 17453335 (2008), 27882536 (2016), 31954625 (2020), 32380732 (2020), 34178674 (2021), 34178674 (2021), 38741424 (2024), 39062721 (2024)). The frequency of this variant in the general population (Genome Aggregation Database) is uninformative in the assessment of its pathogenicity. Based on the available information, we are unable to determine the clinical significance of this variant.

Women's Health and Genetics/Laboratory Corporation of America, LabCorp
Classification: Uncertain significance. Last evaluated: 2024-07-22. Review status: criteria provided, single submitter. Criteria: LabCorp Variant Classification Summary - May 2015. Collection method: clinical testing. Allele origin: germline.
Comment: Variant summary: BRCA1 c.4063_4065delAAT (p.Asn1355del) results in an in-frame deletion that is predicted to remove 1 amino acid from the encoded protein. The variant allele was found at a frequency of 4e-06 in 250834 control chromosomes. The available data on variant occurrences in the general population are insufficient to allow any conclusion about variant significance. c.4063_4065delAAT has been reported in the literature in the presumed heterozygous state in multiple individuals affected with clinical features of Hereditary Breast And Ovarian Cancer Syndrome (example, Bisgin_2022, Boga_2023, Eras_2024, Fanale_2021, Incorvaia_2020, Lara_2012, Loizidou_2017, Solmaz_2020, Urbina-Jara_2021). These report(s) do not provide unequivocal conclusions about association of the variant with BRCA1-related conditions. Co-occurrences with other pathogenic variant(s) have been reported in the BIC database (BRCA1 c.1016_1017insA, p.Lys339fs?), providing supporting evidence for a benign role. To our knowledge, no experimental evidence demonstrating an impact on protein function has been reported. The following publications have been ascertained in the context of this evaluation (PMID: 35753294, 37415649, 38741424, 34178674, 32380732, 23096355, 27882536, 31954625, 34884835). ClinVar contains an entry for this variant (Variation ID: 55093). Based on the evidence outlined above, the variant was classified as VUS-possibly benign.

All of Us Research Program, National Institutes of Health
Classification: Likely benign for BRCA1-related cancer predisposition. Last evaluated: 2024-05-30. Review status: criteria provided, single submitter. Criteria: ACMG Guidelines, 2015. Collection method: clinical testing. Allele origin: germline. Inheritance: Autosomal dominant inheritance. Observed: 2 variant alleles, 2 heterozygotes.
Comment: This study involves interpretation of variants in research participants for the purpose of population health screening. Participant phenotype was not available at the time of variant classification. Additional details can be found in publication PMID: 35346344, PMCID: PMC8962531

GeneDx
Classification: Uncertain significance. Last evaluated: 2019-11-13. Review status: criteria provided, single submitter. Criteria: GeneDx Variant Classification Process June 2021. Collection method: clinical testing. Allele origin: germline. Affected: yes.
Comment: In-frame deletion of 1 amino acid in a non-repeat region; Observed in individuals with personal or family history of breast and ovarian cancer (Konstantopoulou 2008, Loizidou 2017); Observed with a pathogenic BRCA1 variant, phase unknown, in unrelated individuals referred for genetic testing at GeneDx and in published literature (Lara 2012); Not observed at a significant frequency in large population cohorts (Lek 2016); In silico analysis, which includes protein predictors and evolutionary conservation, supports that this variant does not alter protein structure/function; Located in a critical functional domain: SCD domain (Narod 2004, Clark 2012); Also known as 4182_4184delAAT; This variant is associated with the following publications: (PMID: 27882536, 17453335, 31658756, 28726806, 23096355)

Color Diagnostics, LLC DBA Color Health
Classification: Likely benign for Hereditary cancer-predisposing syndrome. Last evaluated: 2016-12-09. Review status: criteria provided, single submitter. Criteria: ACMG Guidelines, 2015. Collection method: clinical testing. Allele origin: germline.

CHEO Genetics Diagnostic Laboratory, Children's Hospital of Eastern Ontario
Classification: Uncertain significance for Breast and/or ovarian cancer. Last evaluated: 2015-10-20. Review status: criteria provided, single submitter. Criteria: ACMG Guidelines, 2015. Collection method: clinical testing. Allele origin: germline. Study: Canadian Open Genetics Repository.

Counsyl
Classification: Uncertain significance for Breast-ovarian cancer, familial, susceptibility to, 1. Last evaluated: 2017-05-16. Review status: no assertion criteria provided. Collection method: clinical testing. Allele origin: unknown. Not counted in ClinVar's aggregate classification.

Breast Cancer Information Core (BIC) (BRCA1)
Classification: Uncertain significance for Breast-ovarian cancer, familial 1. Last evaluated: 2002-05-29. Review status: no assertion criteria provided. Collection method: clinical testing. Allele origin: germline. Affected: yes. Observed: 2 variant alleles. Not counted in ClinVar's aggregate classification.

Literature cited by the submitters: PubMed 27882536 (cited by 4 submitters); PubMed 34178674 (cited by 4 submitters); PubMed 38741424 (cited by 3 submitters); PubMed 39062721 (cited by Ambry Genetics and Quest Diagnostics Nichols Institute San Juan Capistrano); PubMed 17453335 (cited by 3 submitters); PubMed 23096355 (cited by 4 submitters); PubMed 31954625 (cited by 3 submitters); PubMed 32380732 (cited by 3 submitters); PubMed 34884835 (cited by Labcorp Genetics (formerly Invitae), Labcorp and Women's Health and Genetics/Laboratory Corporation of America, LabCorp); PubMed 35753294 (cited by Quest Diagnostics Nichols Institute San Juan Capistrano and Women's Health and Genetics/Laboratory Corporation of America, LabCorp); PubMed 37415649 (cited by Quest Diagnostics Nichols Institute San Juan Capistrano and Women's Health and Genetics/Laboratory Corporation of America, LabCorp).

NM_007294.4(BRCA1):c.4060AAT[1] (p.Asn1355del)

Genes: BRCA1 (BRCA1 DNA repair associated; minus strand), LOC126862571 (BRD4-independent group 4 enhancer GRCh37_chr17:41243136-41244335; plus strand). Cytogenetic location: 17q21.31.
Variant type: Microsatellite.
Coding change: c.4060AAT[1] on transcript NM_007294.4 (MANE Select); one copy of the 3-base unit AAT starting at c.4060; the reference has two copies in a row; one copy, 3 bases deleted.
Protein change: p.Asn1355del; deletes asparagine 1355.
Molecular consequence: inframe deletion. On other transcripts: inframe indel (1), intron variant (135).
Genome position (GRCh38, 1-based): chr17:43,091,466-43,091,468, ATT deleted on the plus strand (AAT on the coding strand, the reverse complement: BRCA1 is on the minus strand); deleting any 3 consecutive bases within chr17:43,091,466-43,091,471 gives the same sequence; the position shown is the placement nearest the transcript's 3' end. VCF-style (leftmost placement, unchanged base first): chr17-43091465-GATT-G. GRCh37 (hg19) VCF-style: chr17-41243482-GATT-G.
Other names: c.3847AAT[1], p.Asn1284del (NM_001407571.1, NM_001407853.1, NM_001407894.1 and 9 more transcripts); c.4060AAT[1], p.Asn1355del (NM_001407581.1, NM_001407582.1, NM_001407583.1 and 30 more transcripts); c.4057AAT[1], p.Asn1354del (NM_001407587.1, NM_001407590.1, NM_001407591.1 and 22 more transcripts); c.4051AAT[1], p.Asn1352del (NM_001407646.1, NM_001407647.1); c.3937AAT[1], p.Asn1314del (NM_001407648.1, NM_001407664.1, NM_001407665.1 and 19 more transcripts); c.3934AAT[1], p.Asn1313del (NM_001407649.1, NM_001407670.1, NM_001407671.1 and 11 more transcripts); c.3982AAT[1], p.Asn1329del (NM_001407653.1, NM_001407654.1, NM_001407655.1 and 4 more transcripts); c.3979AAT[1], p.Asn1328del (NM_001407659.1, NM_001407660.1, NM_001407661.1 and 1 more transcripts); and 42 more; short protein forms N1355del, N1308del, N1228del, N1243del, N1314del, N1187del, N1227del, N1267del.
Identifiers: ClinVar variation 55093 (VCV000055093.32), dbSNP rs80358341, ClinGen allele CA002595.